The following is an entry in ClinVar:

NM_001386298.1(CIC):c.1788G>A (p.Glu596=)

Gene: CIC (capicua transcriptional repressor; plus strand). Cytogenetic location: 19q13.2.
Variant type: single nucleotide variant.
Coding change: c.1788G>A on transcript NM_001386298.1 (MANE Select); coding-DNA position 1788, G replaced by A.
Protein change: p.Glu596=; no amino-acid change (glutamic acid 596 retained).
Molecular consequence: synonymous variant.
Genome position (GRCh38, 1-based): chr19:42,273,571, G>A. VCF-style: chr19-42273571-G-A. GRCh37 (hg19) VCF-style: chr19-42777723-G-A.
Other names: c.1788G>A, p.Glu596= (NM_001304815.2, NM_001379480.1, NM_001379482.1 and 6 more transcripts).
Identifiers: ClinVar variation 4980455 (VCV004980455.1).

ClinVar aggregate classification (germline): Likely benign (1 of 4 stars; one submission).

Conditions:
CIC-related disorder. Also called: CIC-related condition.

gnomAD v4.1: 6 of 398,468 alleles (0.0015%); highest among the groups gnomAD compares: African/African-American, 0.0082%; no homozygotes.

Submission:

PreventionGenetics, part of Exact Sciences
Classification: Likely benign for CIC-related condition. Last evaluated: 2026-03-26. Review status: criteria provided, single submitter. Criteria: ACMG Guidelines, 2015. Collection method: clinical testing. Allele origin: germline.
Comment: This variant is classified as likely benign based on ACMG/AMP sequence variant interpretation guidelines (Richards et al. 2015 PMID: 25741868, with internal and published modifications).